The following is an entry in ClinVar:

NM_000368.5(TSC1):c.*3448C>T

Gene: TSC1 (TSC complex subunit 1; minus strand). Cytogenetic location: 9q34.13.
Variant type: single nucleotide variant.
Coding change: c.*3448C>T on transcript NM_000368.5 (MANE Select); 3448 bases downstream of the stop codon, C replaced by T.
Molecular consequence: 3 prime UTR variant.
Genome position (GRCh38, 1-based): chr9:132,892,787, G>A on the plus strand (C>T on the coding strand, the complement: TSC1 is on the minus strand). VCF-style: chr9-132892787-G-A. GRCh37 (hg19) VCF-style: chr9-135768174-G-A.
Other names: c.*3448C>T (NM_001162426.2, NM_001162427.2, NM_001362177.2).
Identifiers: ClinVar variation 365420 (VCV000365420.6), dbSNP rs201092466, ClinGen allele CA10626663.

ClinVar aggregate classification (germline): Benign. Review status: criteria provided, multiple submitters, no conflicts (2 of 4 stars). 3 submissions from 2 submitters: Benign (3). Last evaluated 2018-01-12.

Conditions:
Tuberous sclerosis 1 (TSC1). Identifiers: Orphanet 805, MedGen C1854465, MONDO:0008612, OMIM 191100.
Isolated focal cortical dysplasia type II (FCORD2). Also called: CORTICAL DYSPLASIA OF TAYLOR; Focal cortical dysplasia type II. Identifiers: Orphanet 268994, MedGen C1846385, MONDO:0011818, OMIM 607341, HP:0032051.

Allele frequency attached by ClinVar (database versions not stated): 1000 Genomes Project 0.00040; gnomAD 0.00056 and 0.00068; 1000 Genomes Project 30x 0.00062; TOPMed 0.00064; gnomAD exomes 0.00098.
gnomAD v4.1: 181 of 233,280 alleles (0.078%); highest among the groups gnomAD compares: Middle Eastern, 1%; no homozygotes.

Submissions (3):

Illumina Laboratory Services, Illumina
Classification: Benign for Isolated focal cortical dysplasia type II. Last evaluated: 2018-01-12. Review status: criteria provided, single submitter. Criteria: ICSL Variant Classification Criteria 13 December 2019. Collection method: clinical testing. Allele origin: germline.
Comment: This variant was observed in the ICSL laboratory as part of a predisposition screen in an ostensibly healthy population. It had not been previously curated by ICSL or reported in the Human Gene Mutation Database (HGMD: prior to June 1st, 2018), and was therefore a candidate for classification through an automated scoring system. Utilizing variant allele frequency, disease prevalence and penetrance estimates, and inheritance mode, an automated score was calculated to assess if this variant is too frequent to cause the disease. Based on the score and internal cut-off values, a variant classified as benign is not then subjected to further curation. The score for this variant resulted in a classification of benign for this disease.

Illumina Laboratory Services, Illumina
Classification: Benign for Tuberous sclerosis 1. Last evaluated: 2018-01-12. Review status: criteria provided, single submitter. Criteria: ICSL Variant Classification Criteria 13 December 2019. Collection method: clinical testing. Allele origin: germline.
Comment: the same text as in the submission from Illumina Laboratory Services, Illumina above.

Breakthrough Genomics
Classification: Benign. Review status: criteria provided, single submitter. Criteria: ACMG Guidelines, 2015. Collection method: not provided. Allele origin: germline. Inheritance: Autosomal dominant inheritance. Affected: yes.